The following is an entry in ClinVar:

NM_001848.3(COL6A1):c.2161A>C (p.Asn721His)

Gene: COL6A1 (collagen type VI alpha 1 chain; plus strand). Cytogenetic location: 21q22.3.
Variant type: single nucleotide variant.
Coding change: c.2161A>C on transcript NM_001848.3 (MANE Select); coding-DNA position 2161, A replaced by C.
Protein change: p.Asn721His; replaces asparagine 721 with histidine.
Molecular consequence: missense variant.
Genome position (GRCh38, 1-based): chr21:46,002,312, A>C. VCF-style: chr21-46002312-A-C. GRCh37 (hg19) VCF-style: chr21-47422226-A-C.
Other names: short protein forms N721H.
Identifiers: ClinVar variation 2144143 (VCV002144143.4), dbSNP rs1417174477, ClinGen allele CA410535476.

ClinVar aggregate classification (germline): Uncertain significance (1 of 4 stars; one submission).

Conditions:
Bethlem myopathy 1A. Also called: Bethlem Muscular Dystrophy; Bethlem myopathy 1; MYOPATHY, BENIGN CONGENITAL, WITH CONTRACTURES. Identifiers: Orphanet 610, MedGen CN029274, MONDO:0024530, OMIM 158810.

Allele frequency attached by ClinVar (database versions not stated): gnomAD 0.00001.
gnomAD v4.1: 1 of 1,593,706 alleles (0.000063%); highest among the groups gnomAD compares: Admixed American, 0.0018%; no homozygotes.

Submission:

Labcorp Genetics (formerly Invitae), Labcorp
Classification: Uncertain significance for Bethlem myopathy 1A. Last evaluated: 2024-10-27. Review status: criteria provided, single submitter. Criteria: Invitae Variant Classification Sherloc (09022015). Collection method: clinical testing. Allele origin: germline.
Comment: This sequence change replaces asparagine, which is neutral and polar, with histidine, which is basic and polar, at codon 721 of the COL6A1 protein (p.Asn721His). This variant is not present in population databases (gnomAD no frequency). This variant has not been reported in the literature in individuals affected with COL6A1-related conditions. ClinVar contains an entry for this variant (Variation ID: 2144143). Invitae Evidence Modeling of protein sequence and biophysical properties (such as structural, functional, and spatial information, amino acid conservation, physicochemical variation, residue mobility, and thermodynamic stability) indicates that this missense variant is not expected to disrupt COL6A1 protein function with a negative predictive value of 95%. In summary, the available evidence is currently insufficient to determine the role of this variant in disease. Therefore, it has been classified as a Variant of Uncertain Significance.